The following is an entry in ClinVar:

ClinVar aggregate classification (germline): Benign. Review status: criteria provided, multiple submitters, no conflicts (2 of 4 stars). 9 submissions from 9 submitters: Benign (8). 1 of the submissions does not count toward it. Last evaluated 2026-02-03.

Conditions:
Primary ciliary dyskinesia. Also called: Ciliary dyskinesia. Identifiers: Orphanet 244, MedGen C0008780, MONDO:0016575, HP:0012265.
Primary ciliary dyskinesia 3. Identifiers: Orphanet 244, MedGen C1837618, MONDO:0012085, OMIM 608644.

Allele frequency attached by ClinVar (database versions not stated): gnomAD exomes 0.00197 and 0.00548; ExAC 0.00692; gnomAD 0.02017 and 0.02161; TOPMed 0.02345; ESP Exome Variant Server 0.02353; 1000 Genomes Project 0.02556; 1000 Genomes Project 30x 0.02733.
gnomAD v4.1: 6,071 of 1,613,982 alleles (0.38%); highest among the groups gnomAD compares: African/African-American, 7%; 217 homozygotes.

Submissions (11):

Labcorp Genetics (formerly Invitae), Labcorp
Classification: Benign for Primary ciliary dyskinesia. Last evaluated: 2026-02-03. Review status: criteria provided, single submitter. Criteria: Invitae Variant Classification Sherloc (09022015). Collection method: clinical testing. Allele origin: germline.

ARUP Laboratories, Molecular Genetics and Genomics, ARUP Laboratories
Classification: Benign for Primary ciliary dyskinesia 3. Last evaluated: 2025-02-06. Review status: criteria provided, single submitter. Criteria: ARUP Molecular Germline Variant Investigation Process 2024. Collection method: clinical testing. Allele origin: germline.

Mayo Clinic Laboratories, Mayo Clinic
Classification: Benign. Last evaluated: 2023-06-17. Review status: criteria provided, single submitter. Criteria: ACMG Guidelines, 2015. Collection method: clinical testing. Allele origin: germline. Observed: 3 variant alleles.

GeneDx
Classification: Benign. Last evaluated: 2019-12-23. Review status: criteria provided, single submitter. Criteria: GeneDx Variant Classification Process June 2021. Collection method: clinical testing. Allele origin: germline. Affected: yes.

Illumina Laboratory Services, Illumina
Classification: Benign for Primary ciliary dyskinesia 3. Last evaluated: 2018-01-12. Review status: criteria provided, single submitter. Criteria: ICSL Variant Classification Criteria 13 December 2019. Collection method: clinical testing. Allele origin: germline.
Comment: This variant was observed in the ICSL laboratory as part of a predisposition screen in an ostensibly healthy population. It had not been previously curated by ICSL or reported in the Human Gene Mutation Database (HGMD: prior to June 1st, 2018), and was therefore a candidate for classification through an automated scoring system. Utilizing variant allele frequency, disease prevalence and penetrance estimates, and inheritance mode, an automated score was calculated to assess if this variant is too frequent to cause the disease. Based on the score and internal cut-off values, a variant classified as benign is not then subjected to further curation. The score for this variant resulted in a classification of benign for this disease.

Ambry Genetics
Classification: Benign for Primary ciliary dyskinesia. Last evaluated: 2014-12-24. Review status: criteria provided, single submitter. Criteria: Ambry Variant Classification Scheme 2023. Collection method: clinical testing. Allele origin: germline.

Breakthrough Genomics
Classification: Benign. Review status: criteria provided, single submitter. Criteria: ACMG Guidelines, 2015. Collection method: not provided. Allele origin: germline. Inheritance: Autosomal recessive inheritance. Affected: yes.

PreventionGenetics, part of Exact Sciences
Classification: Benign. Review status: criteria provided, single submitter. Criteria: ACMG Guidelines, 2015. Collection method: clinical testing. Allele origin: germline.

Natera, Inc.
Classification: Benign for Primary ciliary dyskinesia. Last evaluated: 2020-09-16. Review status: no assertion criteria provided. Collection method: clinical testing. Allele origin: germline. Not counted in ClinVar's aggregate classification.

Dr. Peter K. Rogan Lab, Western University
No classification provided (evidence only). Condition: Clear cell carcinoma of kidney. Review status: no classification provided. Collection method: in vitro. Allele origin: not applicable. Functional consequence: retained intron. Not counted in ClinVar's aggregate classification.

Dr. Peter K. Rogan Lab, Western University
No classification provided (evidence only). Condition: Clear cell carcinoma of kidney. Review status: no classification provided. Collection method: in vitro. Allele origin: not applicable. Functional consequence: retained intron. Not counted in ClinVar's aggregate classification.

NM_001369.3(DNAH5):c.4431C>T (p.Ser1477=)

Genes: DNAH5-AS1 (DNAH5 antisense RNA 1; plus strand), DNAH5 (dynein axonemal heavy chain 5; minus strand). Cytogenetic location: 5p15.2.
Variant type: single nucleotide variant.
Coding change: c.4431C>T on transcript NM_001369.3 (MANE Select); coding-DNA position 4431, C replaced by T.
Protein change: p.Ser1477=; no amino-acid change (serine 1477 retained).
Molecular consequence: synonymous variant.
Genome position (GRCh38, 1-based): chr5:13,864,562, G>A on the plus strand (C>T on the coding strand, the complement: DNAH5 is on the minus strand). VCF-style: chr5-13864562-G-A. GRCh37 (hg19) VCF-style: chr5-13864671-G-A.
Other names: p.Ser1477=.
Identifiers: ClinVar variation 258034 (VCV000258034.26), dbSNP rs74451896, ClinGen allele CA3203982.
Genomic context (GRCh38, chr5:13,864,562, plus strand): 5'-TTCCCAGTGCCGCTCCATCATGGCTTTACTGGCCATGTATTCCAGCAGCGGGCAACACTC[G>A]CTGAAATCATCAATGATCTTCTTCAGGTCCAAAAAAGCCTGCCAGTCCTTCAAGGCCCGG-3'
Protein context (NP_001360.1, residues 1467-1487): LDLKKIIDDF[Ser1477=]ECCPLLEYMA